The following is an entry in ClinVar:

NM_005247.4(FGF3):c.659T>G (p.Leu220Arg)

Gene: FGF3 (fibroblast growth factor 3; minus strand). Cytogenetic location: 11q13.3.
Variant type: single nucleotide variant.
Coding change: c.659T>G on transcript NM_005247.4 (MANE Select); coding-DNA position 659, T replaced by G.
Protein change: p.Leu220Arg; replaces leucine 220 with arginine.
Molecular consequence: missense variant.
Genome position (GRCh38, 1-based): chr11:69,810,366, A>C on the plus strand (T>G on the coding strand, the complement: FGF3 is on the minus strand). VCF-style: chr11-69810366-A-C. GRCh37 (hg19) VCF-style: chr11-69625134-A-C.
Other names: short protein forms L220R.
Identifiers: ClinVar variation 1302601 (VCV001302601.2), dbSNP rs1554980298, ClinGen allele CA381663378.

ClinVar aggregate classification (germline): Uncertain significance (1 of 4 stars; one submission).

Submission:

GeneDx
Classification: Uncertain significance. Last evaluated: 2019-06-20. Review status: criteria provided, single submitter. Criteria: GeneDx Variant Classification Process June 2021. Collection method: clinical testing. Allele origin: germline. Affected: yes.
Comment: Not observed in large population cohorts (Lek et al., 2016); In silico analysis, which includes protein predictors and evolutionary conservation, supports that this variant does not alter protein structure/function; Has not been previously published as pathogenic or benign to our knowledge